The following is an entry in ClinVar:

ClinVar aggregate classification (germline): Uncertain significance (1 of 4 stars; one submission).

Conditions:
Neuropathy, hereditary sensory and autonomic, type 2A (HSAN2A). Also called: MORVAN DISEASE; NEUROPATHY, CONGENITAL SENSORY; NEUROPATHY, HEREDITARY SENSORY RADICULAR, AUTOSOMAL RECESSIVE; NEUROPATHY, HEREDITARY SENSORY, TYPE IIA; NEUROPATHY, PROGRESSIVE SENSORY, OF CHILDREN; ACROOSTEOLYSIS, GIACCAI TYPE. Identifiers: Orphanet 970, MedGen C2752089, MONDO:0024309, OMIM 201300.
Generalized epilepsy with febrile seizures plus, type 7 (GEFSP7). Also called: GEFS+, TYPE 7. Identifiers: Orphanet 36387, MedGen C2751778, MONDO:0013470, OMIM 613863.

gnomAD v4.1: 2 of 1,591,562 alleles (0.00013%); no homozygotes.

Submission:

Labcorp Genetics (formerly Invitae), Labcorp
Classification: Uncertain significance for Neuropathy, hereditary sensory and autonomic, type 2A; Generalized epilepsy with febrile seizures plus, type 7. Last evaluated: 2025-01-01. Review status: criteria provided, single submitter. Criteria: Invitae Variant Classification Sherloc (09022015). Collection method: clinical testing. Allele origin: germline.
Comment: This sequence change replaces isoleucine, which is neutral and non-polar, with valine, which is neutral and non-polar, at codon 743 of the SCN9A protein (p.Ile743Val). This variant is present in population databases (rs763654041, gnomAD 0.02%). This variant has not been reported in the literature in individuals affected with SCN9A-related conditions. Invitae Evidence Modeling of protein sequence and biophysical properties (such as structural, functional, and spatial information, amino acid conservation, physicochemical variation, residue mobility, and thermodynamic stability) indicates that this missense variant is not expected to disrupt SCN9A protein function with a negative predictive value of 80%. In summary, the available evidence is currently insufficient to determine the role of this variant in disease. Therefore, it has been classified as a Variant of Uncertain Significance.

NM_001365536.1(SCN9A):c.2260A>G (p.Ile754Val)

Genes: SCN9A (sodium voltage-gated channel alpha subunit 9; minus strand), SCN1A-AS1 (SCN1A and SCN9A antisense RNA 1; plus strand). Cytogenetic location: 2q24.3.
Variant type: single nucleotide variant.
Coding change: c.2260A>G on transcript NM_001365536.1 (MANE Select); coding-DNA position 2260, A replaced by G.
Protein change: p.Ile754Val; replaces isoleucine 754 with valine.
Molecular consequence: missense variant.
Genome position (GRCh38, 1-based): chr2:166,280,440, T>C on the plus strand (A>G on the coding strand, the complement: SCN9A is on the minus strand). VCF-style: chr2-166280440-T-C. GRCh37 (hg19) VCF-style: chr2-167136950-T-C.
Other names: c.2227A>G, p.Ile743Val (NM_002977.4); short protein forms I743V, I754V.
Identifiers: ClinVar variation 3750064 (VCV003750064.2).